The following is an entry in ClinVar:

ClinVar aggregate classification (germline): Likely benign. Review status: criteria provided, multiple submitters, no conflicts (2 of 4 stars). 3 submissions from 3 submitters: Likely benign (2). 1 of the submissions does not count toward it. Last evaluated 2026-01-06.

Conditions:
COL12A1-related disorder. Also called: COL12A1-related condition.
Ullrich congenital muscular dystrophy 2 (UCMD2). Identifiers: Orphanet 75840, MedGen C4225314, MONDO:0014654, OMIM 616470.
Bethlem myopathy 2 (BTHLM2). Identifiers: Orphanet 536516, Orphanet 610, MedGen C4225313, MONDO:0034022, OMIM 616471.

Allele frequency attached by ClinVar (database versions not stated): gnomAD 0.00001; gnomAD exomes 0.00001 and 0.00002; TOPMed 0.00001.
gnomAD v4.1: 25 of 1,613,336 alleles (0.0015%); highest among the groups gnomAD compares: Non-Finnish European, 0.002%; no homozygotes.

Submissions (3):

Labcorp Genetics (formerly Invitae), Labcorp
Classification: Likely benign for Bethlem myopathy 2; Ullrich congenital muscular dystrophy 2. Last evaluated: 2026-01-06. Review status: criteria provided, single submitter. Criteria: Invitae Variant Classification Sherloc (09022015). Collection method: clinical testing. Allele origin: germline.

CeGaT Center for Human Genetics Tuebingen
Classification: Likely benign. Last evaluated: 2025-07-01. Review status: criteria provided, single submitter. Criteria: CeGaT Center For Human Genetics Tuebingen Variant Classification Criteria Version 2. Collection method: clinical testing. Allele origin: germline. Affected: yes. Observed: 1 variant allele.
Comment: COL12A1: BP4, BP7

PreventionGenetics, part of Exact Sciences
Classification: Likely benign for COL12A1-related condition. Last evaluated: 2023-05-05. Review status: no assertion criteria provided. Collection method: clinical testing. Allele origin: germline. Not counted in ClinVar's aggregate classification.
Comment: This variant is classified as likely benign based on ACMG/AMP sequence variant interpretation guidelines (Richards et al. 2015 PMID: 25741868, with internal and published modifications).

NM_004370.6(COL12A1):c.5352G>A (p.Arg1784=)

Gene: COL12A1 (collagen type XII alpha 1 chain; minus strand). Cytogenetic location: 6q13.
Variant type: single nucleotide variant.
Coding change: c.5352G>A on transcript NM_004370.6 (MANE Select); coding-DNA position 5352, G replaced by A.
Protein change: p.Arg1784=; no amino-acid change (arginine 1784 retained).
Molecular consequence: synonymous variant.
Genome position (GRCh38, 1-based): chr6:75,137,479, C>T on the plus strand (G>A on the coding strand, the complement: COL12A1 is on the minus strand). VCF-style: chr6-75137479-C-T. GRCh37 (hg19) VCF-style: chr6-75847195-C-T.
Other names: c.1860G>A, p.Arg620= (NM_080645.3).
Identifiers: ClinVar variation 542502 (VCV000542502.21), dbSNP rs1372127467, ClinGen allele CA450922313.
Genomic context (GRCh38, chr6:75,137,479, plus strand): 5'-TTTTTATTAAAAAATTACCGTTTGCTCATTGCCTTCCCCTGTGGAAGGCTGATAAGTGAT[C>T]CTATATTTCTGCACACGACCACTAGCAGGATCCCACTTAACAGTCAGGCTGTTAGATGTT-3'
Protein context (NP_004361.3, residues 1774-1794): DPASGRVQKY[Arg1784=]ITYQPSTGEG